The following is an entry in ClinVar:

NM_001903.5(CTNNA1):c.307T>G (p.Leu103Val)

Gene: CTNNA1 (catenin alpha 1; plus strand). Cytogenetic location: 5q31.2.
Variant type: single nucleotide variant.
Coding change: c.307T>G on transcript NM_001903.5 (MANE Select); coding-DNA position 307, T replaced by G.
Protein change: p.Leu103Val; replaces leucine 103 with valine.
Molecular consequence: missense variant. On other transcripts: 5 prime UTR variant (1), intron variant (1).
Genome position (GRCh38, 1-based): chr5:138,810,043, T>G. VCF-style: chr5-138810043-T-G. GRCh37 (hg19) VCF-style: chr5-138145732-T-G.
Other names: c.307T>G (NM_001903.2); c.307T>G, p.Leu103Val (NM_001290307.3, NM_001323982.2, NM_001323983.1 and 3 more transcripts); c.-3T>G (NM_001290309.3); c.-5-58T>G (NM_001290310.3); short protein forms L103V.
Identifiers: ClinVar variation 1720052 (VCV001720052.6), dbSNP rs2532329351, ClinGen allele CA361122775.

ClinVar aggregate classification (germline): Uncertain significance. Review status: criteria provided, multiple submitters, no conflicts (2 of 4 stars). 2 submissions from 2 submitters: Uncertain significance (2). Last evaluated 2024-10-30.

Conditions:
Hereditary cancer-predisposing syndrome. Also called: Hereditary neoplastic syndrome; Neoplastic Syndromes, Hereditary; Hereditary Cancer Syndrome; Tumor predisposition. Identifiers: Orphanet 140162, MedGen C0027672, MeSH D009386, MONDO:0015356.

Submissions (2):

Ambry Genetics
Classification: Uncertain significance for Hereditary cancer-predisposing syndrome. Last evaluated: 2024-10-30. Review status: criteria provided, single submitter. Criteria: Ambry Variant Classification Scheme 2023. Collection method: clinical testing. Allele origin: germline.
Comment: The p.L103V variant (also known as c.307T>G), located in coding exon 3 of the CTNNA1 gene, results from a T to G substitution at nucleotide position 307. The leucine at codon 103 is replaced by valine, an amino acid with highly similar properties. This amino acid position is conserved. In addition, this alteration is predicted to be tolerated by in silico analysis. Based on the available evidence, the clinical significance of this variant remains unclear.

Labcorp Genetics (formerly Invitae), Labcorp
Classification: Uncertain significance. Last evaluated: 2022-09-22. Review status: criteria provided, single submitter. Criteria: Invitae Variant Classification Sherloc (09022015). Collection method: clinical testing. Allele origin: germline.
Comment: This variant is not present in population databases (gnomAD no frequency). This sequence change replaces leucine, which is neutral and non-polar, with valine, which is neutral and non-polar, at codon 103 of the CTNNA1 protein (p.Leu103Val). This variant has not been reported in the literature in individuals affected with CTNNA1-related conditions. In summary, the available evidence is currently insufficient to determine the role of this variant in disease. Therefore, it has been classified as a Variant of Uncertain Significance. Advanced modeling of protein sequence and biophysical properties (such as structural, functional, and spatial information, amino acid conservation, physicochemical variation, residue mobility, and thermodynamic stability) performed at Invitae indicates that this missense variant is not expected to disrupt CTNNA1 protein function.